The following is an entry in ClinVar:

ClinVar aggregate classification (germline): Uncertain significance (1 of 4 stars; one submission).

Allele frequency attached by ClinVar (database versions not stated): gnomAD exomes below 0.00001; TOPMed below 0.00001; ExAC 0.00001; gnomAD 0.00001.

Submission:

Labcorp Genetics (formerly Invitae), Labcorp
Classification: Uncertain significance. Last evaluated: 2022-07-25. Review status: criteria provided, single submitter. Criteria: Invitae Variant Classification Sherloc (09022015). Collection method: clinical testing. Allele origin: germline.
Comment: This sequence change replaces glutamine, which is neutral and polar, with arginine, which is basic and polar, at codon 12 of the LCA5 protein (p.Gln12Arg). This variant is not present in population databases (gnomAD no frequency). This variant has not been reported in the literature in individuals affected with LCA5-related conditions. ClinVar contains an entry for this variant (Variation ID: 1447331). Algorithms developed to predict the effect of missense changes on protein structure and function output the following: SIFT: "Tolerated"; PolyPhen-2: "Benign"; Align-GVGD: "Class C0". The arginine amino acid residue is found in multiple mammalian species, which suggests that this missense change does not adversely affect protein function. In summary, the available evidence is currently insufficient to determine the role of this variant in disease. Therefore, it has been classified as a Variant of Uncertain Significance.

NM_001122769.3(LCA5):c.35A>G (p.Gln12Arg)

Gene: LCA5 (lebercilin LCA5; minus strand). Cytogenetic location: 6q14.1.
Variant type: single nucleotide variant.
Coding change: c.35A>G on transcript NM_001122769.3 (MANE Select); coding-DNA position 35, A replaced by G.
Protein change: p.Gln12Arg; replaces glutamine 12 with arginine.
Molecular consequence: missense variant.
Genome position (GRCh38, 1-based): chr6:79,518,860, T>C on the plus strand (A>G on the coding strand, the complement: LCA5 is on the minus strand). VCF-style: chr6-79518860-T-C. GRCh37 (hg19) VCF-style: chr6-80228577-T-C.
Other names: c.35A>G, p.Gln12Arg (NM_181714.4); short protein forms Q12R.
Identifiers: ClinVar variation 1447331 (VCV001447331.5), dbSNP rs756348440, ClinGen allele CA3901229.